The following is an entry in ClinVar:

NM_001130965.3(SUN1):c.1750G>A (p.Glu584Lys)

Gene: SUN1 (Sad1 and UNC84 domain containing 1; plus strand). Cytogenetic location: 7p22.3.
Variant type: single nucleotide variant.
Coding change: c.1750G>A on transcript NM_001130965.3 (MANE Select); coding-DNA position 1750, G replaced by A.
Protein change: p.Glu584Lys; replaces glutamic acid 584 with lysine.
Molecular consequence: missense variant. On other transcripts: non-coding transcript variant (3).
Genome position (GRCh38, 1-based): chr7:860,353, G>A. VCF-style: chr7-860353-G-A. GRCh37 (hg19) VCF-style: chr7-899990-G-A.
Other names: c.1582G>A, p.Glu528Lys (NM_001367686.1); c.1831G>A, p.Glu611Lys (NM_001367688.1); c.1567G>A, p.Glu523Lys (NM_001367660.1); c.1597G>A, p.Glu533Lys (NM_001367662.1, NM_001367671.1); c.1861G>A, p.Glu621Lys (NM_001367664.1, NM_001367685.1); c.1747G>A, p.Glu583Lys (NM_001367665.1, NM_001367694.1); c.1993G>A, p.Glu665Lys (NM_001367666.1); c.1036G>A, p.Glu346Lys (NM_001367658.1); and 43 more; short protein forms E431K, E538K, E558K, E561K, E570K, E571K, E611K, E612K.
Identifiers: ClinVar variation 2051522 (VCV002051522.4), dbSNP rs577114204, ClinGen allele CA4112346.

ClinVar aggregate classification (germline): Uncertain significance (1 of 4 stars; one submission).

Conditions:
Emery-Dreifuss muscular dystrophy (EDMD). Also called: Scapuloperoneal syndrome, X-linked (formerly); Humeroperoneal neuromuscular disease, (formerly). Identifiers: Orphanet 261, MedGen C0410189, MONDO:0016830.

Allele frequency attached by ClinVar (database versions not stated): gnomAD exomes 0.00001; TOPMed 0.00001; ExAC 0.00002; gnomAD 0.00002; 1000 Genomes Project 30x 0.00016; 1000 Genomes Project 0.00020.
gnomAD v4.1: 17 of 1,614,030 alleles (0.0011%); highest among the groups gnomAD compares: Admixed American, 0.017%; no homozygotes.

Submission:

Labcorp Genetics (formerly Invitae), Labcorp
Classification: Uncertain significance for Emery-Dreifuss muscular dystrophy. Last evaluated: 2024-04-25. Review status: criteria provided, single submitter. Criteria: Invitae Variant Classification Sherloc (09022015). Collection method: clinical testing. Allele origin: germline.
Comment: This sequence change replaces glutamic acid, which is acidic and polar, with lysine, which is basic and polar, at codon 584 of the SUN1 protein (p.Glu584Lys). This variant is present in population databases (rs577114204, gnomAD 0.006%). This variant has not been reported in the literature in individuals affected with SUN1-related conditions. ClinVar contains an entry for this variant (Variation ID: 2051522). Algorithms developed to predict the effect of missense changes on protein structure and function output the following: SIFT: "Not Available"; PolyPhen-2: "Benign"; Align-GVGD: "Not Available". The lysine amino acid residue is found in multiple mammalian species, which suggests that this missense change does not adversely affect protein function. In summary, the available evidence is currently insufficient to determine the role of this variant in disease. Therefore, it has been classified as a Variant of Uncertain Significance.